The following is an entry in ClinVar:

NM_006642.5(SDCCAG8):c.613C>T (p.Pro205Ser)

Gene: SDCCAG8 (SHH signaling and ciliogenesis regulator SDCCAG8; plus strand). Cytogenetic location: 1q43.
Variant type: single nucleotide variant.
Coding change: c.613C>T on transcript NM_006642.5 (MANE Select); coding-DNA position 613, C replaced by T.
Protein change: p.Pro205Ser; replaces proline 205 with serine.
Molecular consequence: missense variant. On other transcripts: 5 prime UTR variant (3).
Genome position (GRCh38, 1-based): chr1:243,293,157, C>T. VCF-style: chr1-243293157-C-T. GRCh37 (hg19) VCF-style: chr1-243456459-C-T.
Other names: c.613C>T (NM_006642.3); c.-500C>T (NM_001350246.2); c.-388C>T (NM_001350247.2); c.613C>T, p.Pro205Ser (NM_001350248.2); c.319C>T, p.Pro107Ser (NM_001350249.2); c.-761C>T (NM_001350251.2); short protein forms P107S, P205S.
Identifiers: ClinVar variation 3582484 (VCV003582484.2).
Genomic context (GRCh38, chr1:243,293,157, plus strand): 5'-ATGCACAATTCTTGGATTACAACAGGTGAAGATTCTGGGGTGGGCGAAACCTCCAAAAGA[C>T]CATTTTCCCATGACAATGCAGATTTTGGCAAAGCTGCATCTGCTGGTGAGCAGCTAGAAC-3'
Protein context (NP_006633.1, residues 195-215): DSGVGETSKR[Pro205Ser]FSHDNADFGK

ClinVar aggregate classification (germline): Uncertain significance. Review status: criteria provided, multiple submitters, no conflicts (2 of 4 stars). 2 submissions from 2 submitters: Uncertain significance (2). Last evaluated 2025-07-08.

Conditions:
Senior-Loken syndrome 7 (SLSN7). Identifiers: Orphanet 3156, MedGen C3150877, MONDO:0013326, OMIM 613615.
Bardet-Biedl syndrome 16 (BBS16). Identifiers: Orphanet 110, MedGen C3889474, MONDO:0014444, OMIM 615993.
SDCCAG8-related disorder. Also called: SDCCAG8-Related Disorders; SDCCAG8-related condition.

gnomAD v4.1: 24 of 1,614,094 alleles (0.0015%); highest among the groups gnomAD compares: Non-Finnish European, 0.0019%; no homozygotes.

Submissions (2):

PreventionGenetics, part of Exact Sciences
Classification: Uncertain significance for SDCCAG8-related condition. Last evaluated: 2025-07-08. Review status: criteria provided, single submitter. Criteria: ACMG Guidelines, 2015. Collection method: clinical testing. Allele origin: germline.
Comment: The SDCCAG8 c.613C>T variant is predicted to result in the amino acid substitution p.Pro205Ser. To our knowledge, this variant has not been reported in the literature or in a large population database (gnomAD), indicating this variant is rare. At this time, the clinical significance of this variant is uncertain due to the absence of conclusive functional and genetic evidence.

Fulgent Genetics
Classification: Uncertain significance for Senior-Loken syndrome 7; Bardet-Biedl syndrome 16. Last evaluated: 2024-05-14. Review status: criteria provided, single submitter. Criteria: ACMG Guidelines, 2015. Collection method: clinical testing. Allele origin: germline.